The following is an entry in ClinVar:

NM_003803.4(MYOM1):c.409A>C (p.Met137Leu)

Gene: MYOM1 (myomesin 1; minus strand). Cytogenetic location: 18p11.31.
Variant type: single nucleotide variant.
Coding change: c.409A>C on transcript NM_003803.4 (MANE Select); coding-DNA position 409, A replaced by C.
Protein change: p.Met137Leu; replaces methionine 137 with leucine.
Molecular consequence: missense variant.
Genome position (GRCh38, 1-based): chr18:3,193,840, T>G on the plus strand (A>C on the coding strand, the complement: MYOM1 is on the minus strand). VCF-style: chr18-3193840-T-G. GRCh37 (hg19) VCF-style: chr18-3193838-T-G.
Other names: c.409A>C, p.Met137Leu (NM_019856.2); short protein forms M137L.
Identifiers: ClinVar variation 525017 (VCV000525017.13), dbSNP rs765511668, ClinGen allele CA8875262.

ClinVar aggregate classification (germline): Uncertain significance. Review status: criteria provided, multiple submitters, no conflicts (2 of 4 stars). 2 submissions from 2 submitters: Uncertain significance (2). Last evaluated 2025-12-22.

Conditions:
Hypertrophic cardiomyopathy. Also called: HYPERTROPHIC MYOCARDIOPATHY. Identifiers: Orphanet 217569, MedGen C0007194, MeSH D002312, MONDO:0005045, HP:0001639.

Allele frequency attached by ClinVar (database versions not stated): ExAC 0.00001; TOPMed 0.00002; gnomAD exomes 0.00004.

Submissions (2):

Labcorp Genetics (formerly Invitae), Labcorp
Classification: Uncertain significance for Hypertrophic cardiomyopathy. Last evaluated: 2025-12-22. Review status: criteria provided, single submitter. Criteria: Invitae Variant Classification Sherloc (09022015). Collection method: clinical testing. Allele origin: germline.
Comment: This sequence change replaces methionine, which is neutral and non-polar, with leucine, which is neutral and non-polar, at codon 137 of the MYOM1 protein (p.Met137Leu). This variant is present in population databases (rs765511668, gnomAD 0.05%). This variant has not been reported in the literature in individuals affected with MYOM1-related conditions. ClinVar contains an entry for this variant (Variation ID: 525017). An algorithm developed to predict the effect of missense changes on protein structure and function outputs the following: PolyPhen-2: "Benign". The leucine amino acid residue is found in multiple mammalian species, which suggests that this missense change does not adversely affect protein function. In summary, the available evidence is currently insufficient to determine the role of this variant in disease. Therefore, it has been classified as a Variant of Uncertain Significance.

Ambry Genetics
Classification: Uncertain significance. Last evaluated: 2025-10-14. Review status: criteria provided, single submitter. Criteria: Ambry Variant Classification Scheme 2023. Collection method: clinical testing. Allele origin: germline.
Comment: The p.M137L variant (also known as c.409A>C), located in coding exon 2 of the MYOM1 gene, results from an A to C substitution at nucleotide position 409. The methionine at codon 137 is replaced by leucine, an amino acid with highly similar properties. This amino acid position is conserved. In addition, this alteration is predicted to be tolerated by in silico analysis. Since supporting evidence is limited at this time, the clinical significance of this alteration remains unclear.